The following is an entry in ClinVar:

ClinVar aggregate classification (germline): Likely benign. Review status: criteria provided, single submitter (1 of 4 stars). 2 submissions from 2 submitters: Likely benign (1). 1 of the submissions does not count toward it. Last evaluated 2025-10-03.

Conditions:
Regional enteritis. Also called: Enteritis, Granulomatous. Identifiers: MedGen C0678202, MeSH D003424.
Blau syndrome (BLAUS). Also called: ARTHROCUTANEOUVEAL GRANULOMATOSIS; GRANULOMATOSIS, FAMILIAL JUVENILE SYSTEMIC; GRANULOMATOSIS, FAMILIAL, BLAU TYPE; GRANULOMATOUS INFLAMMATORY ARTHRITIS, DERMATITIS, AND UVEITIS, FAMILIAL; JABS SYNDROME. Identifiers: Orphanet 90340, MedGen C5201146, MONDO:0008523, OMIM 186580.
NOD2-related disorder. Also called: NOD2-related condition.

Allele frequency attached by ClinVar (database versions not stated): ExAC 0.00001.
gnomAD v4.1: 27 of 1,613,742 alleles (0.0017%); highest among the groups gnomAD compares: Non-Finnish European, 0.0023%; no homozygotes.

Submissions (2):

Labcorp Genetics (formerly Invitae), Labcorp
Classification: Likely benign for Regional enteritis; Blau syndrome. Last evaluated: 2025-10-03. Review status: criteria provided, single submitter. Criteria: Invitae Variant Classification Sherloc (09022015). Collection method: clinical testing. Allele origin: germline.

PreventionGenetics, part of Exact Sciences
Classification: Likely benign for NOD2-related condition. Last evaluated: 2022-02-16. Review status: no assertion criteria provided. Collection method: clinical testing. Allele origin: germline. Not counted in ClinVar's aggregate classification.
Comment: This variant is classified as likely benign based on ACMG/AMP sequence variant interpretation guidelines (Richards et al. 2015 PMID: 25741868, with internal and published modifications).

NM_001370466.1(NOD2):c.3019A>C (p.Arg1007=)

Genes: CYLD-AS1 (CYLD antisense RNA 1; minus strand), NOD2 (nucleotide binding oligomerization domain containing 2; plus strand). Cytogenetic location: 16q12.1.
Variant type: single nucleotide variant.
Coding change: c.3019A>C on transcript NM_001370466.1 (MANE Select); coding-DNA position 3019, A replaced by C.
Protein change: p.Arg1007=; no amino-acid change (arginine 1007 retained).
Molecular consequence: synonymous variant. On other transcripts: non-coding transcript variant (1).
Genome position (GRCh38, 1-based): chr16:50,731,796, A>C. VCF-style: chr16-50731796-A-C. GRCh37 (hg19) VCF-style: chr16-50765707-A-C.
Other names: c.3019A>C, p.Arg1007= (NM_001293557.2); c.3100A>C, p.Arg1034= (NM_022162.3).
Identifiers: ClinVar variation 3029544 (VCV003029544.3), dbSNP rs752783717, ClinGen allele CA8052078.